The following is an entry in ClinVar:

NM_001958.5(EEF1A2):c.1029+4G>C

Gene: EEF1A2 (eukaryotic translation elongation factor 1 alpha 2; minus strand). Cytogenetic location: 20q13.33.
Variant type: single nucleotide variant.
Coding change: c.1029+4G>C on transcript NM_001958.5 (MANE Select); 4 bases into the intron after coding-DNA position 1029, G replaced by C.
Molecular consequence: intron variant.
Genome position (GRCh38, 1-based): chr20:63,490,475, C>G on the plus strand (G>C on the coding strand, the complement: EEF1A2 is on the minus strand). VCF-style: chr20-63490475-C-G. GRCh37 (hg19) VCF-style: chr20-62121828-C-G.
Identifiers: ClinVar variation 507953 (VCV000507953.11), dbSNP rs945481319, ClinGen allele CA317437651.

ClinVar aggregate classification (germline): Conflicting classifications of pathogenicity. Review status: criteria provided, conflicting classifications (1 of 4 stars). 3 submissions from 3 submitters: Uncertain significance (1); Benign (1); Likely benign (1). Last evaluated 2025-12-21.

Conditions:
Developmental and epileptic encephalopathy, 33 (DEE33). Also called: Epileptic encephalopathy, early infantile, 33. Identifiers: Orphanet 442835, MedGen C4225337, MONDO:0014625, OMIM 616409.

Allele frequency attached by ClinVar (database versions not stated): gnomAD 0.00001; gnomAD exomes 0.00001; TOPMed 0.00001.
gnomAD v4.1: 9 of 1,606,108 alleles (0.00056%); highest among the groups gnomAD compares: Admixed American, 0.012%; no homozygotes.

Submissions (3):

Labcorp Genetics (formerly Invitae), Labcorp
Classification: Benign for Developmental and epileptic encephalopathy, 33. Last evaluated: 2025-12-21. Review status: criteria provided, single submitter. Criteria: Invitae Variant Classification Sherloc (09022015). Collection method: clinical testing. Allele origin: germline.

Women's Health and Genetics/Laboratory Corporation of America, LabCorp
Classification: Uncertain significance. Last evaluated: 2025-03-13. Review status: criteria provided, single submitter. Criteria: LabCorp Variant Classification Summary - May 2015. Collection method: clinical testing. Allele origin: germline.
Comment: Variant summary: EEF1A2 c.1029+4G>C alters a nucleotide located close to a canonical splice site and therefore could affect mRNA splicing, leading to a significantly altered protein sequence. Consensus agreement among computation tools predict no significant impact on normal splicing. However, these predictions have yet to be confirmed by functional studies. The variant allele was found at a frequency of 1.2e-05 in 247192 control chromosomes. The available data on variant occurrences in the general population are insufficient to allow any conclusion about variant significance. To our knowledge, no occurrence of c.1029+4G>C in individuals affected with EEF1A2-Related Disorders and no experimental evidence demonstrating its impact on protein function have been reported. ClinVar contains an entry for this variant (Variation ID: 507953). Based on the evidence outlined above, the variant was classified as uncertain significance.

GeneDx
Classification: Likely benign. Last evaluated: 2017-03-09. Review status: criteria provided, single submitter. Criteria: GeneDx Variant Classification (06012015). Collection method: clinical testing. Allele origin: germline. Affected: yes.
Comment: This variant is considered likely benign or benign based on one or more of the following criteria: it is a conservative change, it occurs at a poorly conserved position in the protein, it is predicted to be benign by multiple in silico algorithms, and/or has population frequency not consistent with disease.